The following is an entry in ClinVar:

ClinVar aggregate classification (germline): Uncertain significance. Review status: criteria provided, multiple submitters, no conflicts (2 of 4 stars). 3 submissions from 3 submitters: Uncertain significance (3). Last evaluated 2026-07-02.

Conditions:
RYR1-related disorder. Also called: RYR1-related disorders; RYR1-related condition. Identifiers: MedGen CN239331.
Inborn genetic diseases. Identifiers: MedGen C0950123, MeSH D030342.

Allele frequency attached by ClinVar (database versions not stated): gnomAD exomes below 0.00001 and 0.00001; TOPMed below 0.00001; ExAC 0.00001; gnomAD 0.00001; ESP Exome Variant Server 0.00008.
gnomAD v4.1: 20 of 1,614,060 alleles (0.0012%); highest among the groups gnomAD compares: African/African-American, 0.0013%; no homozygotes.

Submissions (3):

Ambry Genetics
Classification: Uncertain significance for Inborn genetic diseases. Last evaluated: 2026-07-02. Review status: criteria provided, single submitter. Criteria: Ambry Variant Classification Scheme 2023. Collection method: clinical testing. Allele origin: germline.
Comment: The p.R829Q variant (also known as c.2486G>A), located in coding exon 20 of the RYR1 gene, results from a G to A substitution at nucleotide position 2486. The arginine at codon 829 is replaced by glutamine, an amino acid with highly similar properties. This amino acid position is conserved. In addition, the in silico prediction for this alteration is inconclusive. Based on the available evidence, the clinical significance of this variant remains unclear.

Blueprint Genetics
Classification: Uncertain significance. Last evaluated: 2024-07-04. Review status: criteria provided, single submitter. Criteria: ACMG Guidelines, 2015. Collection method: clinical testing. Allele origin: germline.

Labcorp Genetics (formerly Invitae), Labcorp
Classification: Uncertain significance for RYR1-related disorder. Last evaluated: 2022-06-04. Review status: criteria provided, single submitter. Criteria: Invitae Variant Classification Sherloc (09022015). Collection method: clinical testing. Allele origin: germline.
Comment: This sequence change replaces arginine, which is basic and polar, with glutamine, which is neutral and polar, at codon 829 of the RYR1 protein (p.Arg829Gln). This variant is present in population databases (rs372652716, gnomAD 0.002%). This variant has not been reported in the literature in individuals affected with RYR1-related conditions. ClinVar contains an entry for this variant (Variation ID: 654961). Advanced modeling of protein sequence and biophysical properties (such as structural, functional, and spatial information, amino acid conservation, physicochemical variation, residue mobility, and thermodynamic stability) performed at Invitae indicates that this missense variant is not expected to disrupt RYR1 protein function. In summary, the available evidence is currently insufficient to determine the role of this variant in disease. Therefore, it has been classified as a Variant of Uncertain Significance.

NM_000540.3(RYR1):c.2486G>A (p.Arg829Gln)

Gene: RYR1 (ryanodine receptor 1; plus strand). Cytogenetic location: 19q13.2.
Variant type: single nucleotide variant.
Coding change: c.2486G>A on transcript NM_000540.3 (MANE Select); coding-DNA position 2486, G replaced by A.
Protein change: p.Arg829Gln; replaces arginine 829 with glutamine.
Molecular consequence: missense variant.
Genome position (GRCh38, 1-based): chr19:38,460,500, G>A. VCF-style: chr19-38460500-G-A. GRCh37 (hg19) VCF-style: chr19-38951140-G-A.
Other names: c.2486G>A, p.Arg829Gln (NM_001042723.2); short protein forms R829Q.
Identifiers: ClinVar variation 654961 (VCV000654961.8), dbSNP rs372652716, ClinGen allele CA063316.